The following is an entry in ClinVar:

ClinVar aggregate classification (germline): Uncertain significance (1 of 4 stars; one submission).

Allele frequency attached by ClinVar (database versions not stated): gnomAD exomes below 0.00001.
gnomAD v4.1: 2 of 1,614,118 alleles (0.00012%); highest among the groups gnomAD compares: Non-Finnish European, 0.00017%; no homozygotes.

Submission:

Labcorp Genetics (formerly Invitae), Labcorp
Classification: Uncertain significance. Last evaluated: 2022-02-20. Review status: criteria provided, single submitter. Criteria: Invitae Variant Classification Sherloc (09022015). Collection method: clinical testing. Allele origin: germline.
Comment: Algorithms developed to predict the effect of sequence changes on RNA splicing suggest that this variant may create or strengthen a splice site. This sequence change replaces aspartic acid, which is acidic and polar, with glycine, which is neutral and non-polar, at codon 1395 of the LRP2 protein (p.Asp1395Gly). This variant is not present in population databases (gnomAD no frequency). This variant has not been reported in the literature in individuals affected with LRP2-related conditions. Advanced modeling of protein sequence and biophysical properties (such as structural, functional, and spatial information, amino acid conservation, physicochemical variation, residue mobility, and thermodynamic stability) performed at Invitae indicates that this missense variant is not expected to disrupt LRP2 protein function. In summary, the available evidence is currently insufficient to determine the role of this variant in disease. Therefore, it has been classified as a Variant of Uncertain Significance.

NM_004525.3(LRP2):c.4184A>G (p.Asp1395Gly)

Gene: LRP2 (LDL receptor related protein 2; minus strand). Cytogenetic location: 2q31.1.
Variant type: single nucleotide variant.
Coding change: c.4184A>G on transcript NM_004525.3 (MANE Select); coding-DNA position 4184, A replaced by G.
Protein change: p.Asp1395Gly; replaces aspartic acid 1395 with glycine.
Molecular consequence: missense variant.
Genome position (GRCh38, 1-based): chr2:169,239,637, T>C on the plus strand (A>G on the coding strand, the complement: LRP2 is on the minus strand). VCF-style: chr2-169239637-T-C. GRCh37 (hg19) VCF-style: chr2-170096147-T-C.
Other names: short protein forms D1395G.
Identifiers: ClinVar variation 2143026 (VCV002143026.4), dbSNP rs1479247917, ClinGen allele CA349145737.